The following is an entry in ClinVar:

NM_001042492.3(NF1):c.4227G>C (p.Met1409Ile)

Gene: NF1 (neurofibromin 1; plus strand). Cytogenetic location: 17q11.2.
Variant type: single nucleotide variant.
Coding change: c.4227G>C on transcript NM_001042492.3 (MANE Select); coding-DNA position 4227, G replaced by C.
Protein change: p.Met1409Ile; replaces methionine 1409 with isoleucine.
Molecular consequence: missense variant.
Genome position (GRCh38, 1-based): chr17:31,258,397, G>C. VCF-style: chr17-31258397-G-C. GRCh37 (hg19) VCF-style: chr17-29585415-G-C.
Other names: c.4164G>C, p.Met1388Ile (NM_000267.4); short protein forms M1388I, M1409I.
Identifiers: ClinVar variation 185056 (VCV000185056.10), dbSNP rs786201895, ClinGen allele CA190890.

ClinVar aggregate classification (germline): Uncertain significance. Review status: criteria provided, multiple submitters, no conflicts (2 of 4 stars). 4 submissions from 3 submitters: Uncertain significance (4). Last evaluated 2025-08-11.

Conditions:
Cardiovascular phenotype. Identifiers: MedGen CN230736.
Hereditary cancer-predisposing syndrome. Also called: Tumor predisposition; Hereditary Cancer Syndrome; Hereditary neoplastic syndrome; Neoplastic Syndromes, Hereditary. Identifiers: Orphanet 140162, MedGen C0027672, MeSH D009386, MONDO:0015356.
Neurofibromatosis, type 1 (NF1). Also called: VON RECKLINGHAUSEN DISEASE; NEUROFIBROMATOSIS, TYPE I, SOMATIC; Peripheral type neurofibromatosis; Neurofibromatosis, type I. Identifiers: Orphanet 636, MedGen C0027831, MONDO:0018975, OMIM 162200. Disease mechanism: loss of function.

Submissions (4):

Labcorp Genetics (formerly Invitae), Labcorp
Classification: Uncertain significance for Neurofibromatosis, type 1. Last evaluated: 2025-08-11. Review status: criteria provided, single submitter. Criteria: Invitae Variant Classification Sherloc (09022015). Collection method: clinical testing. Allele origin: germline.
Comment: This sequence change replaces methionine, which is neutral and non-polar, with isoleucine, which is neutral and non-polar, at codon 1388 of the NF1 protein (p.Met1388Ile). This variant is not present in population databases (gnomAD no frequency). This variant has not been reported in the literature in individuals affected with NF1-related conditions. ClinVar contains an entry for this variant (Variation ID: 185056). Invitae Evidence Modeling of protein sequence and biophysical properties (such as structural, functional, and spatial information, amino acid conservation, physicochemical variation, residue mobility, and thermodynamic stability) indicates that this missense variant is not expected to disrupt NF1 protein function with a negative predictive value of 95%. In summary, the available evidence is currently insufficient to determine the role of this variant in disease. Therefore, it has been classified as a Variant of Uncertain Significance.

Ambry Genetics
Classification: Uncertain significance for Cardiovascular phenotype; Hereditary cancer-predisposing syndrome. Last evaluated: 2022-07-15. Review status: criteria provided, single submitter. Criteria: Ambry Variant Classification Scheme 2023. Collection method: clinical testing. Allele origin: germline.

Genome-Nilou Lab
Classification: Uncertain significance for Neurofibromatosis, type 1. Last evaluated: 2022-03-15. Review status: criteria provided, single submitter. Criteria: ACMG Guidelines, 2015. Collection method: clinical testing. Allele origin: germline. Affected: no.

Ambry Genetics
Classification: Uncertain significance for Hereditary cancer-predisposing syndrome. Last evaluated: 2014-06-03. Review status: criteria provided, single submitter. Criteria: Ambry Autosomal Dominant and X-Linked criteria (10/2015). Collection method: clinical testing. Allele origin: germline. Observed: 1 variant allele.
Comment: The p.M1409I variant (also known as c.4227G>C), located in coding exon 32 of the NF1 gene, results from a G to C substitution at nucleotide position 4227. The methionine at codon 1409 is replaced by isoleucine, an amino acid with some highly similar properties. This variant was not reported in population based cohorts in the following databases: Database of Single Nucleotide Polymorphisms (dbSNP), NHLBI Exome Sequencing Project (ESP), and 1000 Genomes Project. To date, this alteration has been detected with an allele frequency of approximately 0.02% (greater than 5000 alleles tested) in our clinical cohort (includes this individual). This amino acid position is highly conserved in available vertebrate species. In addition, this alteration is predicted to be benign and tolerated by PolyPhen and SIFT in silico analyses, respectively. Since supporting evidence is limited at this time, the clinical significance of p.M1409I remains unclear.